The following is an entry in ClinVar:

NM_015275.3(WASHC4):c.1079C>T (p.Pro360Leu)

Gene: WASHC4 (WASH complex subunit 4; plus strand). Cytogenetic location: 12q23.3.
Variant type: single nucleotide variant.
Coding change: c.1079C>T on transcript NM_015275.3 (MANE Select); coding-DNA position 1079, C replaced by T.
Protein change: p.Pro360Leu; replaces proline 360 with leucine.
Molecular consequence: missense variant.
Genome position (GRCh38, 1-based): chr12:105,127,169, C>T. VCF-style: chr12-105127169-C-T. GRCh37 (hg19) VCF-style: chr12-105520947-C-T.
Other names: c.1079C>T, p.Pro360Leu (NM_001293640.2); short protein forms P360L.
Identifiers: ClinVar variation 4879328 (VCV004879328.1).

ClinVar aggregate classification (germline): Uncertain significance (1 of 4 stars; one submission).

Conditions:
Intellectual developmental disorder, autosomal recessive 43. Also called: Intellectual disability, autosomal recessive 43. Identifiers: Orphanet 88616, MedGen C4014386, MONDO:0014354, OMIM 615817.

Submission:

Clinical Genomics Laboratory, Washington University in St. Louis
Classification: Uncertain significance for Intellectual developmental disorder, autosomal recessive 43. Last evaluated: 2026-01-02. Review status: criteria provided, single submitter. Criteria: ACMG Guidelines, 2015. Collection method: clinical testing. Allele origin: germline.
Comment: The WASHC4 c.1079C>T (p.Pro360Leu) variant, to our knowledge, has not been reported in the medical literature. This variant is only observed in 1/249,352 alleles in the general population (gnomAD v.2.1.1), indicating it is not a common variant. Computational predictors suggest that the variant does not impact WASHC4 function. Due to limited information, and based on ACMG/AMP guidelines for variant interpretation (Richards S et al., PMID: 25741868), the clinical significance of this variant is uncertain at this time.